The following is an entry in ClinVar:

ClinVar aggregate classification (germline): Likely benign. Review status: criteria provided, multiple submitters, no conflicts (2 of 4 stars). 4 submissions from 4 submitters: Likely benign (3). 1 of the submissions does not count toward it. Last evaluated 2025-07-29.

Conditions:
Charcot-Marie-Tooth disease type 2. Also called: Charcot-Marie-Tooth type 2. Identifiers: Orphanet 64746, MedGen C0270914, MONDO:0018993.
Inborn genetic diseases. Identifiers: MedGen C0950123, MeSH D030342.
MFN2-related disorder. Also called: MFN2-related condition; MFN2-related disorders.

Allele frequency attached by ClinVar (database versions not stated): gnomAD exomes below 0.00001 and 0.00001.
gnomAD v4.1: 17 of 1,614,222 alleles (0.0011%); highest among the groups gnomAD compares: African/African-American, 0.0013%; no homozygotes.

Submissions (4):

Labcorp Genetics (formerly Invitae), Labcorp
Classification: Likely benign for Charcot-Marie-Tooth disease type 2. Last evaluated: 2025-07-29. Review status: criteria provided, single submitter. Criteria: Invitae Variant Classification Sherloc (09022015). Collection method: clinical testing. Allele origin: germline.

Blueprint Genetics
Classification: Likely benign. Last evaluated: 2021-09-12. Review status: criteria provided, single submitter. Criteria: ACMG Guidelines, 2015. Collection method: clinical testing. Allele origin: germline.

Ambry Genetics
Classification: Likely benign for Inborn genetic diseases. Last evaluated: 2019-07-11. Review status: criteria provided, single submitter. Criteria: Ambry Variant Classification Scheme 2023. Collection method: clinical testing. Allele origin: germline.

PreventionGenetics, part of Exact Sciences
Classification: Likely benign for MFN2-related condition. Last evaluated: 2019-03-08. Review status: no assertion criteria provided. Collection method: clinical testing. Allele origin: germline. Not counted in ClinVar's aggregate classification.
Comment: This variant is classified as likely benign based on ACMG/AMP sequence variant interpretation guidelines (Richards et al. 2015 PMID: 25741868, with internal and published modifications).

NM_014874.4(MFN2):c.201C>T (p.Asp67=)

Gene: MFN2 (mitofusin 2; plus strand). Cytogenetic location: 1p36.22.
Variant type: single nucleotide variant.
Coding change: c.201C>T on transcript NM_014874.4 (MANE Select); coding-DNA position 201, C replaced by T.
Protein change: p.Asp67=; no amino-acid change (aspartic acid 67 retained).
Molecular consequence: synonymous variant.
Genome position (GRCh38, 1-based): chr1:11,992,580, C>T. VCF-style: chr1-11992580-C-T. GRCh37 (hg19) VCF-style: chr1-12052637-C-T.
Other names: c.201C>T, p.Asp67= (NM_001127660.2).
Identifiers: ClinVar variation 543257 (VCV000543257.12), dbSNP rs1553141644, ClinGen allele CA416109432.